The following is an entry in ClinVar:

ClinVar aggregate classification (germline): Uncertain significance. Review status: criteria provided, multiple submitters, no conflicts (2 of 4 stars). 2 submissions from 2 submitters: Uncertain significance (2). Last evaluated 2025-03-31.

Allele frequency attached by ClinVar (database versions not stated): gnomAD 0.00004; gnomAD exomes 0.00004; ExAC 0.00005; TOPMed 0.00006; ESP Exome Variant Server 0.00015.
gnomAD v4.1: 68 of 1,614,008 alleles (0.0042%); highest among the groups gnomAD compares: Middle Eastern, 0.016%; no homozygotes.

Submissions (2):

Labcorp Genetics (formerly Invitae), Labcorp
Classification: Uncertain significance. Last evaluated: 2025-03-31. Review status: criteria provided, single submitter. Criteria: Invitae Variant Classification Sherloc (09022015). Collection method: clinical testing. Allele origin: germline.
Comment: This sequence change replaces arginine, which is basic and polar, with cysteine, which is neutral and slightly polar, at codon 585 of the CEP97 protein (p.Arg585Cys). This variant is present in population databases (rs145086802, gnomAD 0.007%). This variant has not been reported in the literature in individuals affected with CEP97-related conditions. ClinVar contains an entry for this variant (Variation ID: 2182804). Invitae Evidence Modeling of protein sequence and biophysical properties (such as structural, functional, and spatial information, amino acid conservation, physicochemical variation, residue mobility, and thermodynamic stability) indicates that this missense variant is not expected to disrupt CEP97 protein function with a negative predictive value of 80%. In summary, the available evidence is currently insufficient to determine the role of this variant in disease. Therefore, it has been classified as a Variant of Uncertain Significance.

Ambry Genetics
Classification: Uncertain significance. Last evaluated: 2024-11-14. Review status: criteria provided, single submitter. Criteria: Ambry Variant Classification Scheme 2023. Collection method: clinical testing. Allele origin: germline.

NM_024548.4(CEP97):c.1753C>T (p.Arg585Cys)

Gene: CEP97 (centrosomal protein 97; plus strand). Cytogenetic location: 3q12.3.
Variant type: single nucleotide variant.
Coding change: c.1753C>T on transcript NM_024548.4 (MANE Select); coding-DNA position 1753, C replaced by T.
Protein change: p.Arg585Cys; replaces arginine 585 with cysteine.
Molecular consequence: missense variant.
Genome position (GRCh38, 1-based): chr3:101,758,359, C>T. VCF-style: chr3-101758359-C-T. GRCh37 (hg19) VCF-style: chr3-101477203-C-T.
Other names: c.1576C>T, p.Arg526Cys (NM_001303401.2); c.1651C>T, p.Arg551Cys (NM_001410784.1); c.1474C>T, p.Arg492Cys (NM_001410785.1); c.1753C>T (NM_024548.2); short protein forms R492C, R526C, R551C, R585C.
Identifiers: ClinVar variation 2182804 (VCV002182804.5), dbSNP rs145086802, ClinGen allele CA2522174.